The following is an entry in ClinVar:

NM_012470.4(TNPO3):c.1416C>T (p.Thr472=)

Gene: TNPO3 (transportin 3; minus strand). Cytogenetic location: 7q32.1.
Variant type: single nucleotide variant.
Coding change: c.1416C>T on transcript NM_012470.4 (MANE Select); coding-DNA position 1416, C replaced by T.
Protein change: p.Thr472=; no amino-acid change (threonine 472 retained).
Molecular consequence: synonymous variant. On other transcripts: non-coding transcript variant (18).
Genome position (GRCh38, 1-based): chr7:128,990,043, G>A on the plus strand (C>T on the coding strand, the complement: TNPO3 is on the minus strand). VCF-style: chr7-128990043-G-A. GRCh37 (hg19) VCF-style: chr7-128630097-G-A.
Other names: c.1416C>T, p.Thr472= (NM_001191028.3, NM_001382223.1, NM_001382220.1 and 1 more transcripts); c.1269C>T, p.Thr423= (NM_001382222.1); c.1272C>T, p.Thr424= (NM_001382221.1); c.1518C>T, p.Thr506= (NM_001382216.1); c.1497C>T, p.Thr499= (NM_001382217.1); c.1308C>T, p.Thr436= (NM_001382219.1).
Identifiers: ClinVar variation 703004 (VCV000703004.15), dbSNP rs368379579, ClinGen allele CA4478138.

ClinVar aggregate classification (germline): Likely benign. Review status: criteria provided, single submitter (1 of 4 stars). 2 submissions from 2 submitters: Likely benign (1). 1 of the submissions does not count toward it. Last evaluated 2025-10-29.

Conditions:
TNPO3-related disorder. Also called: TNPO3-related condition.
Autosomal dominant limb-girdle muscular dystrophy type 1F (LGMDD2). Also called: Limb-girdle muscular dystrophy, type 1F; MUSCULAR DYSTROPHY, LIMB-GIRDLE, AUTOSOMAL DOMINANT 2. Identifiers: Orphanet 55595, MedGen C1842062, MONDO:0012034, OMIM 608423.

Allele frequency attached by ClinVar (database versions not stated): TOPMed 0.00011; ExAC 0.00012; ESP Exome Variant Server 0.00015; gnomAD 0.00019.
gnomAD v4.1: 213 of 1,613,996 alleles (0.013%); highest among the groups gnomAD compares: Non-Finnish European, 0.016%; no homozygotes.

Submissions (2):

Labcorp Genetics (formerly Invitae), Labcorp
Classification: Likely benign for Autosomal dominant limb-girdle muscular dystrophy type 1F. Last evaluated: 2025-10-29. Review status: criteria provided, single submitter. Criteria: Invitae Variant Classification Sherloc (09022015). Collection method: clinical testing. Allele origin: germline.

PreventionGenetics, part of Exact Sciences
Classification: Likely benign for TNPO3-related condition. Last evaluated: 2019-04-04. Review status: no assertion criteria provided. Collection method: clinical testing. Allele origin: germline. Not counted in ClinVar's aggregate classification.
Comment: This variant is classified as likely benign based on ACMG/AMP sequence variant interpretation guidelines (Richards et al. 2015 PMID: 25741868, with internal and published modifications).